The following is an entry in ClinVar:

NM_017886.4(ULK4):c.803+3A>C

Gene: ULK4 (unc-51 like kinase 4; minus strand). Cytogenetic location: 3p22.1.
Variant type: single nucleotide variant.
Coding change: c.803+3A>C on transcript NM_017886.4 (MANE Select); 3 bases into the intron after coding-DNA position 803, A replaced by C.
Molecular consequence: intron variant.
Genome position (GRCh38, 1-based): chr3:41,915,974, T>G on the plus strand (A>C on the coding strand, the complement: ULK4 is on the minus strand). VCF-style: chr3-41915974-T-G. GRCh37 (hg19) VCF-style: chr3-41957466-T-G.
Other names: c.-104+2483A>C (NM_001322501.2); c.803+3A>C (NM_001322500.2).
Identifiers: ClinVar variation 403589 (VCV000403589.6), dbSNP rs1716698, ClinGen allele CA2332585.
Genomic context (GRCh38, chr3:41,915,974, plus strand): 5'-GCCCCTTACTCCATTTGCAGAACTCAAAAGAAAAAGAAAAAAAGATCGAACTACTGTCCC[T>G]ACCTTTTCTGAGGATCTCTTTGAAGTAACCCATCAAGCAAATTAATAAAATCTGAAGAAG-3'

ClinVar aggregate classification (germline): Benign. Review status: criteria provided, multiple submitters, no conflicts (2 of 4 stars). 2 submissions from 2 submitters: Benign (2). Last evaluated 2016-03-29.

Allele frequency attached by ClinVar (database versions not stated): TOPMed 0.66784; ESP Exome Variant Server 0.67557; 1000 Genomes Project 30x 0.67817; 1000 Genomes Project 0.68131; gnomAD 0.68363.
gnomAD v4.1: 1,275,984 of 1,583,686 alleles (81%); highest among the groups gnomAD compares: East Asian, 85%; 524,032 homozygotes.

Submissions (4):

Laboratory for Molecular Medicine, Mass General Brigham Personalized Medicine
Classification: Benign. Last evaluated: 2016-03-29. Review status: criteria provided, single submitter. Criteria: LMM Criteria. Collection method: clinical testing. Allele origin: germline.
Comment: Variant identified in a genome or exome case(s) and assessed due to predicted null impact of the variant or pathogenic assertions in the literature or databases. Disclaimer: This variant has not undergone full assessment. The following are preliminary notes: Frequency

Breakthrough Genomics
Classification: Benign. Review status: criteria provided, single submitter. Criteria: ACMG Guidelines, 2015. Collection method: not provided. Allele origin: germline. Inheritance: Unknown mechanism. Affected: yes.

Dr. Peter K. Rogan Lab, Western University
No classification provided (evidence only). Condition: Malignant tumor of urinary bladder. Review status: no classification provided. Collection method: in vitro. Allele origin: not applicable. Functional consequence: skipped exon. Not counted in ClinVar's aggregate classification.

Dr. Peter K. Rogan Lab, Western University
No classification provided (evidence only). Condition: Hepatocellular carcinoma. Review status: no classification provided. Collection method: in vitro. Allele origin: not applicable. Functional consequence: skipped exon. Not counted in ClinVar's aggregate classification.